The following is an entry in ClinVar:

ClinVar aggregate classification (germline): Uncertain significance. Review status: criteria provided, multiple submitters, no conflicts (2 of 4 stars). 2 submissions from 2 submitters: Uncertain significance (2). Last evaluated 2026-06-20.

Conditions:
Inborn genetic diseases. Identifiers: MedGen C0950123, MeSH D030342.

gnomAD v4.1: 4 of 1,584,126 alleles (0.00025%); highest among the groups gnomAD compares: Non-Finnish European, 0.00034%; no homozygotes.

Submissions (2):

Ambry Genetics
Classification: Uncertain significance for Inborn genetic diseases. Last evaluated: 2026-06-20. Review status: criteria provided, single submitter. Criteria: Ambry Variant Classification Scheme 2023. Collection method: clinical testing. Allele origin: germline.
Comment: The p.C1051Y variant (also known as c.3152G>A), located in coding exon 23 of the LTBP3 gene, results from a G to A substitution at nucleotide position 3152. The cysteine at codon 1051 is replaced by tyrosine, an amino acid with highly dissimilar properties. This amino acid position is conserved. In addition, this alteration is predicted to be deleterious by in silico analysis. Based on the available evidence, the clinical significance of this variant remains unclear.

Blueprint Genetics
Classification: Uncertain significance. Last evaluated: 2023-12-05. Review status: criteria provided, single submitter. Criteria: ACMG Guidelines, 2015. Collection method: clinical testing. Allele origin: germline.

NM_001130144.3(LTBP3):c.3152G>A (p.Cys1051Tyr)

Genes: LTBP3 (latent transforming growth factor beta binding protein 3; minus strand), LOC121832793 (Sharpr-MPRA regulatory region 4001; plus strand). Cytogenetic location: 11q13.1.
Variant type: single nucleotide variant.
Coding change: c.3152G>A on transcript NM_001130144.3 (MANE Select); coding-DNA position 3152, G replaced by A.
Protein change: p.Cys1051Tyr; replaces cysteine 1051 with tyrosine.
Molecular consequence: missense variant.
Genome position (GRCh38, 1-based): chr11:65,540,337, C>T on the plus strand (G>A on the coding strand, the complement: LTBP3 is on the minus strand). VCF-style: chr11-65540337-C-T. GRCh37 (hg19) VCF-style: chr11-65307808-C-T.
Other names: c.2801G>A, p.Cys934Tyr (NM_001164266.1); c.3152G>A, p.Cys1051Tyr (NM_021070.4); c.3152G>A (NM_001130144.2); short protein forms C934Y, C1051Y.
Identifiers: ClinVar variation 4912279 (VCV004912279.2).